The following is an entry in ClinVar:

ClinVar aggregate classification (germline): Conflicting classifications of pathogenicity. Review status: criteria provided, conflicting classifications (1 of 4 stars). 4 submissions from 4 submitters: Likely pathogenic (2); Uncertain significance (2). Last evaluated 2025-12-18.

Conditions:
Congenital contractures of the limbs and face, hypotonia, and developmental delay (CLIFAHDD). Identifiers: Orphanet 562528, MedGen C4225398, MONDO:0014556, OMIM 616266.
Hypotonia, infantile, with psychomotor retardation and characteristic facies 1 (INNFD). Identifiers: Orphanet 371364, Orphanet 700336, MedGen C3809454, MONDO:0024567, OMIM 615419.

Allele frequency attached by ClinVar (database versions not stated): gnomAD exomes below 0.00001.
gnomAD v4.1: 1 of 1,613,902 alleles (0.000062%); highest among the groups gnomAD compares: Admixed American, 0.0017%; no homozygotes.

Submissions (4):

Equipe Genetique des Anomalies du Developpement, Université de Bourgogne
Classification: Likely pathogenic for Congenital contractures of the limbs and face, hypotonia, and developmental delay. Last evaluated: 2025-12-18. Review status: criteria provided, single submitter. Criteria: ACMG Guidelines, 2015. Collection method: clinical testing. Allele origin: de novo. Affected: yes.

GeneDx
Classification: Uncertain significance. Last evaluated: 2024-11-25. Review status: criteria provided, single submitter. Criteria: GeneDx Variant Classification Process June 2021. Collection method: clinical testing. Allele origin: germline. Affected: yes.
Comment: Reported as a de novo variant with confirmed parentage in a patient with intellectual disability in published literature; however, this individual harbored variants in an additional gene that may have been contributing to the phenotype (PMID: 35322241); Reported in the heterozygous state in a patient with speech and language delay in published literature; however, no further clinical or segregation information was provided (PMID: 36939041); Not observed at significant frequency in large population cohorts (gnomAD); In silico analysis supports that this missense variant has a deleterious effect on protein structure/function; This variant is associated with the following publications: (PMID: 35322241, 36939041)

Baylor Genetics
Classification: Likely pathogenic for Hypotonia, infantile, with psychomotor retardation and characteristic facies 1. Last evaluated: 2019-01-15. Review status: criteria provided, single submitter. Criteria: ACMG Guidelines, 2015. Collection method: clinical testing. Allele origin: de novo. Affected: yes.
Comment: This variant was determined to be likely pathogenic according to ACMG Guidelines, 2015 [PMID:25741868].

Juno Genomics, Hangzhou Juno Genomics, Inc
Classification: Uncertain significance for Congenital contractures of the limbs and face, hypotonia, and developmental delay. Review status: criteria provided, single submitter. Criteria: ACMG Guidelines, 2015. Collection method: clinical testing. Allele origin: germline. Affected: yes.
Comment: Absent from controls (or at extremely low frequency if recessive) in Genome Aggregation Database, Exome Sequencing Project, 1000 Genomes Project, or Exome Aggregation Consortium.;Multiple lines of computational evidence support a deleterious effect on the gene or gene product (conservation, evolutionary, splicing impact, etc).;Missense variant in a gene that has a low rate of benign missense variation and where missense variants are a common mechanism of disease.;The prevalence of the variant in affected individuals is significantly increased compared to the prevalence in controls.

NM_052867.4(NALCN):c.946G>A (p.Val316Met)

Gene: NALCN (sodium leak channel, non-selective; minus strand). Cytogenetic location: 13q33.1.
Variant type: single nucleotide variant.
Coding change: c.946G>A on transcript NM_052867.4 (MANE Select); coding-DNA position 946, G replaced by A.
Protein change: p.Val316Met; replaces valine 316 with methionine.
Molecular consequence: missense variant.
Genome position (GRCh38, 1-based): chr13:101,292,091, C>T on the plus strand (G>A on the coding strand, the complement: NALCN is on the minus strand). VCF-style: chr13-101292091-C-T. GRCh37 (hg19) VCF-style: chr13-101944442-C-T.
Other names: c.946G>A, p.Val316Met (NM_001350748.2, NM_001350749.2, NM_001350750.2 and 1 more transcripts); short protein forms V316M.
Identifiers: ClinVar variation 1029047 (VCV001029047.5), dbSNP rs1463184766, ClinGen allele CA388704849.